The following is an entry in ClinVar:

ClinVar aggregate classification (germline): Uncertain significance (1 of 4 stars; one submission).

Conditions:
Alpha-methylacyl-CoA racemase deficiency (AMACRD). Also called: AMACR deficiency. Identifiers: Orphanet 79095, MedGen C3280428, MONDO:0013681, OMIM 614307. Disease mechanism: loss of function.

Allele frequency attached by ClinVar (database versions not stated): TOPMed 0.00001.

Submission:

Labcorp Genetics (formerly Invitae), Labcorp
Classification: Uncertain significance for Alpha-methylacyl-CoA racemase deficiency. Last evaluated: 2024-04-15. Review status: criteria provided, single submitter. Criteria: Invitae Variant Classification Sherloc (09022015). Collection method: clinical testing. Allele origin: germline.
Comment: This sequence change replaces alanine, which is neutral and non-polar, with threonine, which is neutral and polar, at codon 2 of the AMACR protein (p.Ala2Thr). This variant is not present in population databases (gnomAD no frequency). This variant has not been reported in the literature in individuals affected with AMACR-related conditions. ClinVar contains an entry for this variant (Variation ID: 2090294). Advanced modeling of protein sequence and biophysical properties (such as structural, functional, and spatial information, amino acid conservation, physicochemical variation, residue mobility, and thermodynamic stability) performed at Invitae indicates that this missense variant is expected to disrupt AMACR protein function with a positive predictive value of 80%. In summary, the available evidence is currently insufficient to determine the role of this variant in disease. Therefore, it has been classified as a Variant of Uncertain Significance.

NM_014324.6(AMACR):c.4G>A (p.Ala2Thr)

Genes: AMACR (alpha-methylacyl-CoA racemase; minus strand), C1QTNF3-AMACR (C1QTNF3-AMACR readthrough (NMD candidate); minus strand). Cytogenetic location: 5p13.2.
Variant type: single nucleotide variant.
Coding change: c.4G>A on transcript NM_014324.6 (MANE Select); coding-DNA position 4, G replaced by A.
Protein change: p.Ala2Thr; replaces alanine 2 with threonine.
Molecular consequence: missense variant.
Genome position (GRCh38, 1-based): chr5:34,008,016, C>T on the plus strand (G>A on the coding strand, the complement: AMACR is on the minus strand). VCF-style: chr5-34008016-C-T. GRCh37 (hg19) VCF-style: chr5-34008121-C-T.
Other names: c.4G>A, p.Ala2Thr (NM_001167595.2, NM_203382.3); short protein forms A2T.
Identifiers: ClinVar variation 2090294 (VCV002090294.3), dbSNP rs1754054773, ClinGen allele CA359385522.
Genomic context (GRCh38, chr5:34,008,016, plus strand): 5'-TAGCACAGAACGGGCCCGGGGCCAGGCCGGACAGCTCCACGACCGAGATGCCCTGCAGTG[C>T]CATGGCGCTTCCCAGTGCCCCGCTGAAGGAAACTGAGCAGCCCTTAGCCCCAGCCCAGCA-3'
Protein context (NP_055139.4, residues 1-12): M[Ala2Thr]LQGISVVELS